The following is an entry in ClinVar:

NM_032620.4(GTPBP3):c.1418G>T (p.Gly473Val)

Gene: GTPBP3 (GTP binding protein 3, mitochondrial; plus strand). Cytogenetic location: 19p13.11.
Variant type: single nucleotide variant.
Coding change: c.1418G>T on transcript NM_032620.4 (MANE Select); coding-DNA position 1418, G replaced by T.
Protein change: p.Gly473Val; replaces glycine 473 with valine.
Molecular consequence: missense variant.
Genome position (GRCh38, 1-based): chr19:17,341,642, G>T. VCF-style: chr19-17341642-G-T. GRCh37 (hg19) VCF-style: chr19-17452451-G-T.
Other names: c.1355G>T, p.Gly452Val (NM_001128855.3); c.1484G>T, p.Gly495Val (NM_001195422.1); c.1514G>T, p.Gly505Val (NM_133644.4); short protein forms G473V, G452V, G495V, G505V.
Identifiers: ClinVar variation 2055720 (VCV002055720.4), dbSNP rs1354298401, ClinGen allele CA404739790.

ClinVar aggregate classification (germline): Uncertain significance (1 of 4 stars; one submission).

Submission:

Labcorp Genetics (formerly Invitae), Labcorp
Classification: Uncertain significance. Last evaluated: 2022-06-05. Review status: criteria provided, single submitter. Criteria: Invitae Variant Classification Sherloc (09022015). Collection method: clinical testing. Allele origin: germline.
Comment: This sequence change replaces glycine, which is neutral and non-polar, with valine, which is neutral and non-polar, at codon 505 of the GTPBP3 protein (p.Gly505Val). This variant is present in population databases (no rsID available, gnomAD 0.003%). This variant has not been reported in the literature in individuals affected with GTPBP3-related conditions. Algorithms developed to predict the effect of missense changes on protein structure and function are either unavailable or do not agree on the potential impact of this missense change (SIFT: "Deleterious"; PolyPhen-2: "Probably Damaging"; Align-GVGD: "Class C0"). In summary, the available evidence is currently insufficient to determine the role of this variant in disease. Therefore, it has been classified as a Variant of Uncertain Significance.